The following is an entry in ClinVar:

NM_007192.4(SUPT16H):c.2561A>G (p.Asn854Ser)

Gene: SUPT16H (SPT16 homolog, facilitates chromatin remodeling subunit; minus strand). Cytogenetic location: 14q11.2.
Variant type: single nucleotide variant.
Coding change: c.2561A>G on transcript NM_007192.4 (MANE Select); coding-DNA position 2561, A replaced by G.
Protein change: p.Asn854Ser; replaces asparagine 854 with serine.
Molecular consequence: missense variant.
Genome position (GRCh38, 1-based): chr14:21,357,296, T>C on the plus strand (A>G on the coding strand, the complement: SUPT16H is on the minus strand). VCF-style: chr14-21357296-T-C. GRCh37 (hg19) VCF-style: chr14-21825455-T-C.
Other names: short protein forms N854S.
Identifiers: ClinVar variation 2444812 (VCV002444812.1), dbSNP rs2503021490, ClinGen allele CA388861184.

ClinVar aggregate classification (germline): Uncertain significance (1 of 4 stars; one submission).

Submission:

GeneDx
Classification: Uncertain significance. Last evaluated: 2022-09-19. Review status: criteria provided, single submitter. Criteria: GeneDx Variant Classification Process June 2021. Collection method: clinical testing. Allele origin: germline. Affected: yes.
Comment: Not observed at significant frequency in large population cohorts (gnomAD); In silico analysis supports that this missense variant has a deleterious effect on protein structure/function; Has not been previously published as pathogenic or benign to our knowledge